The following is an entry in ClinVar:

ClinVar aggregate classification (germline): Conflicting classifications of pathogenicity. Review status: criteria provided, conflicting classifications (1 of 4 stars). 2 submissions from 2 submitters: Uncertain significance (1); Benign (1). Last evaluated 2025-12-08.

Conditions:
Pallister-Hall syndrome (PHS). Also called: GLI3-Related Pallister-Hall Syndrome; HYPOTHALAMIC HAMARTOBLASTOMA, HYPOPITUITARISM, IMPERFORATE ANUS, AND POSTAXIAL POLYDACTYLY. Identifiers: Orphanet 672, MedGen C0265220, MONDO:0007804, OMIM 146510.
Greig cephalopolysyndactyly syndrome (GCPS). Also called: Greig syndrome; GLI3-Related Greig Cephalopolysyndactyly Syndrome; POLYSYNDACTYLY WITH PECULIAR SKULL SHAPE. Identifiers: Orphanet 380, MedGen C0265306, MONDO:0008287, OMIM 175700.

gnomAD v4.1: 13 of 1,613,982 alleles (0.00081%); highest among the groups gnomAD compares: Admixed American, 0.0017%; no homozygotes.

Submissions (2):

Mayo Clinic Laboratories, Mayo Clinic
Classification: Uncertain significance. Last evaluated: 2025-12-08. Review status: criteria provided, single submitter. Criteria: ACMG Guidelines, 2015. Collection method: clinical testing. Allele origin: germline. Observed: 1 variant allele.
Comment: PM2_supporting

Labcorp Genetics (formerly Invitae), Labcorp
Classification: Benign for Pallister-Hall syndrome; Greig cephalopolysyndactyly syndrome. Last evaluated: 2022-03-03. Review status: criteria provided, single submitter. Criteria: Invitae Variant Classification Sherloc (09022015). Collection method: clinical testing. Allele origin: germline.

NM_000168.6(GLI3):c.1497C>G (p.His499Gln)

Gene: GLI3 (GLI family zinc finger 3; minus strand). Cytogenetic location: 7p14.1.
Variant type: single nucleotide variant.
Coding change: c.1497C>G on transcript NM_000168.6 (MANE Select); coding-DNA position 1497, C replaced by G.
Protein change: p.His499Gln; replaces histidine 499 with glutamine.
Molecular consequence: missense variant.
Genome position (GRCh38, 1-based): chr7:42,023,468, G>C on the plus strand (C>G on the coding strand, the complement: GLI3 is on the minus strand). VCF-style: chr7-42023468-G-C. GRCh37 (hg19) VCF-style: chr7-42063067-G-C.
Other names: p.His499Gln; short protein forms H499Q.
Identifiers: ClinVar variation 1599724 (VCV001599724.9), dbSNP rs539144173, ClinGen allele CA156892066.